The following is an entry in ClinVar:

NM_001127178.3(PIGG):c.8T>G (p.Leu3Arg)

Gene: PIGG (phosphatidylinositol glycan anchor biosynthesis class G (EMM blood group); plus strand). Cytogenetic location: 4p16.3.
Variant type: single nucleotide variant.
Coding change: c.8T>G on transcript NM_001127178.3 (MANE Select); coding-DNA position 8, T replaced by G.
Protein change: p.Leu3Arg; replaces leucine 3 with arginine.
Molecular consequence: missense variant. On other transcripts: 5 prime UTR variant (9), non-coding transcript variant (10), intron variant (1).
Genome position (GRCh38, 1-based): chr4:499,343, T>G. VCF-style: chr4-499343-T-G. GRCh37 (hg19) VCF-style: chr4-493132-T-G.
Other names: c.8T>G, p.Leu3Arg (NM_001289052.2, NM_001345989.2, NM_017733.5); c.-818T>G (NM_001289053.2); c.-429T>G (NM_001289055.2); c.-496T>G (NM_001289057.2, NM_001345986.2, NM_001345987.2); c.-1116T>G (NM_001345988.2); c.-1618T>G (NM_001345990.2); c.-1716T>G (NM_001345991.2); c.-1441T>G (NM_001345994.2); and 1 more; short protein forms L3R.
Identifiers: ClinVar variation 1358866 (VCV001358866.8), dbSNP rs1553873943, ClinGen allele CA355888343.

ClinVar aggregate classification (germline): Uncertain significance (1 of 4 stars; one submission).

Conditions:
Intellectual disability, autosomal recessive 53 (NEDHSCA). Also called: NEURODEVELOPMENTAL DISORDER WITH OR WITHOUT HYPOTONIA, SEIZURES, AND CEREBELLAR ATROPHY; GLYCOSYLPHOSPHATIDYLINOSITOL BIOSYNTHESIS DEFECT 13; Mental retardation, autosomal recessive 53. Identifiers: Orphanet 488635, MedGen C4310794, MONDO:0014832, OMIM 616917.

Submission:

Labcorp Genetics (formerly Invitae), Labcorp
Classification: Uncertain significance for Intellectual disability, autosomal recessive 53. Last evaluated: 2022-11-22. Review status: criteria provided, single submitter. Criteria: Invitae Variant Classification Sherloc (09022015). Collection method: clinical testing. Allele origin: germline.
Comment: In summary, the available evidence is currently insufficient to determine the role of this variant in disease. Therefore, it has been classified as a Variant of Uncertain Significance. Algorithms developed to predict the effect of missense changes on protein structure and function are either unavailable or do not agree on the potential impact of this missense change (SIFT: "Tolerated"; PolyPhen-2: "Probably Damaging"; Align-GVGD: "Class C0"). ClinVar contains an entry for this variant (Variation ID: 1358866). This variant has not been reported in the literature in individuals affected with PIGG-related conditions. This variant is not present in population databases (gnomAD no frequency). This sequence change replaces leucine, which is neutral and non-polar, with arginine, which is basic and polar, at codon 3 of the PIGG protein (p.Leu3Arg).